The following is an entry in ClinVar:

ClinVar aggregate classification (germline): Uncertain significance (1 of 4 stars; one submission).

Conditions:
Charcot-Marie-Tooth disease axonal type 2Z. Also called: CHARCOT-MARIE-TOOTH DISEASE, AXONAL, AUTOSOMAL DOMINANT, TYPE 2Z; CHARCOT-MARIE-TOOTH NEUROPATHY, TYPE 2Z. Identifiers: Orphanet 466768, MedGen C5569025, MONDO:0014736, OMIM 616688.

Submission:

Labcorp Genetics (formerly Invitae), Labcorp
Classification: Uncertain significance for Charcot-Marie-Tooth disease axonal type 2Z. Last evaluated: 2024-12-03. Review status: criteria provided, single submitter. Criteria: Invitae Variant Classification Sherloc (09022015). Collection method: clinical testing. Allele origin: germline.
Comment: This sequence change replaces histidine, which is basic and polar, with arginine, which is basic and polar, at codon 446 of the MORC2 protein (p.His446Arg). This variant is not present in population databases (gnomAD no frequency). This variant has not been reported in the literature in individuals affected with MORC2-related conditions. Invitae Evidence Modeling of protein sequence and biophysical properties (such as structural, functional, and spatial information, amino acid conservation, physicochemical variation, residue mobility, and thermodynamic stability) indicates that this missense variant is expected to disrupt MORC2 protein function with a positive predictive value of 95%. In summary, the available evidence is currently insufficient to determine the role of this variant in disease. Therefore, it has been classified as a Variant of Uncertain Significance.

NM_001303256.3(MORC2):c.1337A>G (p.His446Arg)

Gene: MORC2 (MORC family CW-type zinc finger 2; minus strand). Cytogenetic location: 22q12.2.
Variant type: single nucleotide variant.
Coding change: c.1337A>G on transcript NM_001303256.3 (MANE Select); coding-DNA position 1337, A replaced by G.
Protein change: p.His446Arg; replaces histidine 446 with arginine.
Molecular consequence: missense variant.
Genome position (GRCh38, 1-based): chr22:30,937,847, T>C on the plus strand (A>G on the coding strand, the complement: MORC2 is on the minus strand). VCF-style: chr22-30937847-T-C. GRCh37 (hg19) VCF-style: chr22-31333834-T-C.
Other names: c.1337A>G, p.His446Arg (NM_001303257.2); c.1151A>G, p.His384Arg (NM_014941.3); short protein forms H384R, H446R.
Identifiers: ClinVar variation 3637775 (VCV003637775.2).